The following is an entry in ClinVar:

NM_001204375.2(NPR3):c.57G>C (p.Leu19Phe)

Genes: NPR3 (natriuretic peptide receptor 3; plus strand), LOC123493284 (Sharpr-MPRA regulatory region 158; plus strand). Cytogenetic location: 5p13.3.
Variant type: single nucleotide variant.
Coding change: c.57G>C on transcript NM_001204375.2 (MANE Select); coding-DNA position 57, G replaced by C.
Protein change: p.Leu19Phe; replaces leucine 19 with phenylalanine.
Molecular consequence: missense variant. On other transcripts: intron variant (4).
Genome position (GRCh38, 1-based): chr5:32,711,833, G>C. VCF-style: chr5-32711833-G-C. GRCh37 (hg19) VCF-style: chr5-32711939-G-C.
Other names: c.57G>C, p.Leu19Phe (NM_000908.4); c.50-12865G>C (NM_001364458.2); c.121+1050G>C (NM_001363652.2, NM_001204376.2, NM_001364460.2); short protein forms L19F.
Identifiers: ClinVar variation 1444599 (VCV001444599.6), dbSNP rs1479414238, ClinGen allele CA359466094.
Genomic context (GRCh38, chr5:32,711,833, plus strand): 5'-CACGATGCCGTCTCTGCTGGTGCTCACTTTCTCCCCGTGCGTACTACTCGGCTGGGCGTT[G>C]CTGGCCGGCGGCACCGGTGGCGGTGGCGTTGGCGGCGGCGGCGGTGGCGCGGGCATAGGC-3'
Protein context (NP_001191304.1, residues 9-29): FSPCVLLGWA[Leu19Phe]LAGGTGGGGV

ClinVar aggregate classification (germline): Uncertain significance (1 of 4 stars; one submission).

Allele frequency attached by ClinVar (database versions not stated): gnomAD 0.00001.
gnomAD v4.1: 1 of 1,460,104 alleles (0.000068%); highest among the groups gnomAD compares: Non-Finnish European, 0.00009%; no homozygotes.

Submission:

Labcorp Genetics (formerly Invitae), Labcorp
Classification: Uncertain significance. Last evaluated: 2022-12-06. Review status: criteria provided, single submitter. Criteria: Invitae Variant Classification Sherloc (09022015). Collection method: clinical testing. Allele origin: germline.
Comment: In summary, the available evidence is currently insufficient to determine the role of this variant in disease. Therefore, it has been classified as a Variant of Uncertain Significance. Algorithms developed to predict the effect of missense changes on protein structure and function are either unavailable or do not agree on the potential impact of this missense change (SIFT: "Deleterious"; PolyPhen-2: "Benign"; Align-GVGD: "Class C0"). ClinVar contains an entry for this variant (Variation ID: 1444599). This variant has not been reported in the literature in individuals affected with NPR3-related conditions. This variant is present in population databases (no rsID available, gnomAD 0.007%). This sequence change replaces leucine, which is neutral and non-polar, with phenylalanine, which is neutral and non-polar, at codon 19 of the NPR3 protein (p.Leu19Phe).